The following is an entry in ClinVar:

NM_014384.3(ACAD8):c.*377C>T

Gene: ACAD8 (acyl-CoA dehydrogenase family member 8; plus strand). Cytogenetic location: 11q25.
Variant type: single nucleotide variant.
Coding change: c.*377C>T on transcript NM_014384.3 (MANE Select); 377 bases downstream of the stop codon, C replaced by T.
Molecular consequence: 3 prime UTR variant.
Genome position (GRCh38, 1-based): chr11:134,265,337, C>T. VCF-style: chr11-134265337-C-T. GRCh37 (hg19) VCF-style: chr11-134135231-C-T.
Identifiers: ClinVar variation 303692 (VCV000303692.6), dbSNP rs74738493, ClinGen allele CA10634178.

ClinVar aggregate classification (germline): Benign. Review status: criteria provided, multiple submitters, no conflicts (2 of 4 stars). 2 submissions from 2 submitters: Benign (2). Last evaluated 2018-01-13.

Conditions:
Deficiency of isobutyryl-CoA dehydrogenase. Also called: ACYL-CoA DEHYDROGENASE FAMILY, MEMBER 8, DEFICIENCY OF; IBD DEFICIENCY; ACAD8 DEFICIENCY. Identifiers: Orphanet 79159, MedGen C1969809, MONDO:0012648, OMIM 611283.

Allele frequency attached by ClinVar (database versions not stated): gnomAD exomes 0.00742; gnomAD 0.04618 and 0.04945; 1000 Genomes Project 0.04952; 1000 Genomes Project 30x 0.05262; TOPMed 0.05330.
gnomAD v4.1: 7,628 of 240,402 alleles (3.2%); highest among the groups gnomAD compares: African/African-American, 16%; 571 homozygotes.

Submissions (2):

Illumina Laboratory Services, Illumina
Classification: Benign for Deficiency of isobutyryl-CoA dehydrogenase. Last evaluated: 2018-01-13. Review status: criteria provided, single submitter. Criteria: ICSL Variant Classification Criteria 13 December 2019. Collection method: clinical testing. Allele origin: germline.
Comment: This variant was observed in the ICSL laboratory as part of a predisposition screen in an ostensibly healthy population. It had not been previously curated by ICSL or reported in the Human Gene Mutation Database (HGMD: prior to June 1st, 2018), and was therefore a candidate for classification through an automated scoring system. Utilizing variant allele frequency, disease prevalence and penetrance estimates, and inheritance mode, an automated score was calculated to assess if this variant is too frequent to cause the disease. Based on the score and internal cut-off values, a variant classified as benign is not then subjected to further curation. The score for this variant resulted in a classification of benign for this disease.

Breakthrough Genomics
Classification: Benign. Review status: criteria provided, single submitter. Criteria: ACMG Guidelines, 2015. Collection method: not provided. Allele origin: germline. Inheritance: Autosomal recessive inheritance. Affected: yes.